The following is an entry in ClinVar:

ClinVar aggregate classification (germline): Benign/Likely benign. Review status: criteria provided, multiple submitters, no conflicts (2 of 4 stars). 4 submissions from 4 submitters: Benign (1); Likely benign (2). 1 of the submissions does not count toward it. Last evaluated 2025-09-26.

Conditions:
LRBA-related disorder. Also called: LRBA-related condition.
Combined immunodeficiency due to LRBA deficiency. Also called: Common variable immunodeficiency 8, with autoimmunity. Identifiers: Orphanet 445018, MedGen C3553512, MONDO:0013863, OMIM 614700.

Allele frequency attached by ClinVar (database versions not stated): gnomAD exomes 0.00007 and 0.00016; ExAC 0.00023; gnomAD 0.00059 and 0.00064; 1000 Genomes Project 0.00060; TOPMed 0.00062; ESP Exome Variant Server 0.00077; 1000 Genomes Project 30x 0.00078.
gnomAD v4.1: 196 of 1,610,822 alleles (0.012%); highest among the groups gnomAD compares: African/African-American, 0.19%; 1 homozygote.

Submissions (4):

Mayo Clinic Laboratories, Mayo Clinic
Classification: Likely benign. Last evaluated: 2025-09-26. Review status: criteria provided, single submitter. Criteria: ACMG Guidelines, 2015. Collection method: clinical testing. Allele origin: germline. Observed: 1 variant allele.
Comment: BS1, BP4, BP7

Labcorp Genetics (formerly Invitae), Labcorp
Classification: Benign for Combined immunodeficiency due to LRBA deficiency. Last evaluated: 2025-09-05. Review status: criteria provided, single submitter. Criteria: Invitae Variant Classification Sherloc (09022015). Collection method: clinical testing. Allele origin: germline.

Blueprint Genetics
Classification: Likely benign. Last evaluated: 2023-05-19. Review status: criteria provided, single submitter. Criteria: ACMG Guidelines, 2015. Collection method: clinical testing. Allele origin: germline.

PreventionGenetics, part of Exact Sciences
Classification: Likely benign for LRBA-related condition. Last evaluated: 2024-01-04. Review status: no assertion criteria provided. Collection method: clinical testing. Allele origin: germline. Not counted in ClinVar's aggregate classification.
Comment: This variant is classified as likely benign based on ACMG/AMP sequence variant interpretation guidelines (Richards et al. 2015 PMID: 25741868, with internal and published modifications).

NM_001364905.1(LRBA):c.2469G>A (p.Ala823=)

Gene: LRBA (LPS responsive beige-like anchor protein; minus strand). Cytogenetic location: 4q31.3.
Variant type: single nucleotide variant.
Coding change: c.2469G>A on transcript NM_001364905.1 (MANE Select); coding-DNA position 2469, G replaced by A.
Protein change: p.Ala823=; no amino-acid change (alanine 823 retained).
Molecular consequence: synonymous variant.
Genome position (GRCh38, 1-based): chr4:150,868,286, C>T on the plus strand (G>A on the coding strand, the complement: LRBA is on the minus strand). VCF-style: chr4-150868286-C-T. GRCh37 (hg19) VCF-style: chr4-151789438-C-T.
Other names: p.Ala823=; c.2469G>A, p.Ala823= (NM_001199282.3, NM_001367550.1, NM_006726.5).
Identifiers: ClinVar variation 540416 (VCV000540416.16), dbSNP rs144453185, ClinGen allele CA3103228.
Genomic context (GRCh38, chr4:150,868,286, plus strand): 5'-AAGAAAGGCTCTGCGAACCTCCATGCTCTCTGGGCACTGGGGAGAATTTCGAAGTAGGGT[C>T]GCAATTACTTTTAGTATCTCTGTAAGACAGTTTATAAATAAGTAAAAACCAAACTCAACA-3'
Protein context (NP_001351834.1, residues 813-833): IQNPQILKVI[Ala823=]TLLRNSPQCP